The following is an entry in ClinVar:

ClinVar aggregate classification (germline): Uncertain significance (1 of 4 stars; one submission).

Allele frequency attached by ClinVar (database versions not stated): gnomAD exomes below 0.00001 and 0.00001; TOPMed 0.00002.
gnomAD v4.1: 3 of 1,612,516 alleles (0.00019%); highest among the groups gnomAD compares: Admixed American, 0.005%; no homozygotes.

Submission:

Labcorp Genetics (formerly Invitae), Labcorp
Classification: Uncertain significance. Last evaluated: 2024-02-16. Review status: criteria provided, single submitter. Criteria: Invitae Variant Classification Sherloc (09022015). Collection method: clinical testing. Allele origin: germline.
Comment: This sequence change falls in intron 7 of the CASQ1 gene. It does not directly change the encoded amino acid sequence of the CASQ1 protein. It affects a nucleotide within the consensus splice site. This variant is present in population databases (no rsID available, gnomAD 0.006%). This variant has not been reported in the literature in individuals affected with CASQ1-related conditions. ClinVar contains an entry for this variant (Variation ID: 1448010). Variants that disrupt the consensus splice site are a relatively common cause of aberrant splicing (PMID: 17576681, 9536098). Algorithms developed to predict the effect of sequence changes on RNA splicing suggest that this variant is not likely to affect RNA splicing. In summary, the available evidence is currently insufficient to determine the role of this variant in disease. Therefore, it has been classified as a Variant of Uncertain Significance.

Literature cited by the submitters: PubMed 17576681; PubMed 9536098.

NM_001231.5(CASQ1):c.829-3C>T

Gene: CASQ1 (calsequestrin 1; plus strand). Cytogenetic location: 1q23.2.
Variant type: single nucleotide variant.
Coding change: c.829-3C>T on transcript NM_001231.5 (MANE Select); 3 bases into the intron before coding-DNA position 829, C replaced by T.
Molecular consequence: intron variant.
Genome position (GRCh38, 1-based): chr1:160,198,674, C>T. VCF-style: chr1-160198674-C-T. GRCh37 (hg19) VCF-style: chr1-160168464-C-T.
Identifiers: ClinVar variation 1448010 (VCV001448010.6), dbSNP rs1165907016, ClinGen allele CA526678750.